The following is an entry in ClinVar:

ClinVar aggregate classification (germline): Pathogenic (1 of 4 stars; one submission).

Submission:

Labcorp Genetics (formerly Invitae), Labcorp
Classification: Pathogenic. Last evaluated: 2024-03-11. Review status: criteria provided, single submitter. Criteria: Invitae Variant Classification Sherloc (09022015). Collection method: clinical testing. Allele origin: germline.
Comment: This sequence change creates a premature translational stop signal (p.Asn133Lysfs*46) in the PKLR gene. It is expected to result in an absent or disrupted protein product. Loss-of-function variants in PKLR are known to be pathogenic (PMID: 15953013, 26832193). This variant is not present in population databases (gnomAD no frequency). This variant has not been reported in the literature in individuals affected with PKLR-related conditions. For these reasons, this variant has been classified as Pathogenic.

Literature cited by the submitters: PubMed 15953013; PubMed 26832193.

NM_000298.6(PKLR):c.399del (p.Asn133fs)

Gene: PKLR (pyruvate kinase L/R; minus strand). Cytogenetic location: 1q22.
Variant type: Deletion.
Coding change: c.399del on transcript NM_000298.6 (MANE Select); coding-DNA position 399, one base deleted (C; older notation c.399delC).
Protein change: p.Asn133fs; shifts the reading frame from asparagine 133.
Molecular consequence: frameshift variant.
Genome position (GRCh38, 1-based): chr1:155,295,545, G deleted on the plus strand (C on the coding strand, the reverse complement: PKLR is on the minus strand). VCF-style (leftmost placement, unchanged base first): chr1-155295544-CG-C. GRCh37 (hg19) VCF-style: chr1-155265335-CG-C.
Other names: c.306del, p.Asn102fs (NM_181871.4); short protein forms N102fs, N133fs.
Identifiers: ClinVar variation 3632162 (VCV003632162.2).